The following is an entry in ClinVar:

ClinVar aggregate classification (germline): Likely benign (1 of 4 stars; one submission).

Submission:

CeGaT Center for Human Genetics Tuebingen
Classification: Likely benign. Last evaluated: 2025-07-01. Review status: criteria provided, single submitter. Criteria: CeGaT Center For Human Genetics Tuebingen Variant Classification Criteria Version 2. Collection method: clinical testing. Allele origin: germline. Affected: yes. Observed: 1 variant allele.
Comment: GOLGA8R: BP4, BP7

NM_001282484.1(GOLGA8R):c.1002G>A (p.Leu334=)

Gene: GOLGA8R (golgin A8 family member R). Cytogenetic location: 15q13.2.
Variant type: single nucleotide variant.
Coding change: c.1002G>A on transcript NM_001282484.1 (MANE Select); coding-DNA position 1002, G replaced by A.
Protein change: p.Leu334=; no amino-acid change (leucine 334 retained).
Molecular consequence: synonymous variant.
Genome position (GRCh38, 1-based): chr15:30,407,401, C>T on the plus strand (G>A on the coding strand, the complement: GOLGA8R is on the minus strand). VCF-style: chr15-30407401-C-T. GRCh37 (hg19) VCF-style: chr15-30699604-C-T.
Identifiers: ClinVar variation 4084539 (VCV004084539.8).